The following is an entry in ClinVar:

NM_004568.6(SERPINB6):c.376G>A (p.Ala126Thr)

Gene: SERPINB6 (serpin family B member 6; minus strand). Cytogenetic location: 6p25.2.
Variant type: single nucleotide variant.
Coding change: c.376G>A on transcript NM_004568.6 (MANE Select); coding-DNA position 376, G replaced by A.
Protein change: p.Ala126Thr; replaces alanine 126 with threonine.
Molecular consequence: missense variant. On other transcripts: non-coding transcript variant (1).
Genome position (GRCh38, 1-based): chr6:2,954,646, C>T on the plus strand (G>A on the coding strand, the complement: SERPINB6 is on the minus strand). VCF-style: chr6-2954646-C-T. GRCh37 (hg19) VCF-style: chr6-2954880-C-T.
Other names: c.388G>A, p.Ala130Thr (NM_001195291.3, NM_001374515.1); c.418G>A, p.Ala140Thr (NM_001271822.2); c.433G>A, p.Ala145Thr (NM_001271823.2); c.376G>A, p.Ala126Thr (NM_001271824.2, NM_001271825.2, NM_001297699.2 and 2 more transcripts); c.244G>A, p.Ala82Thr (NM_001374517.1); short protein forms A126T, A130T, A140T, A145T, A82T.
Identifiers: ClinVar variation 1706283 (VCV001706283.4), dbSNP rs368785463, ClinGen allele CA3617569.
Genomic context (GRCh38, chr6:2,954,646, plus strand): 5'-TTTCACCTTCTGTCTTTTCAGCTACCCAGGTGTTTATGTGTTTTCTGGACTTCTCTACGG[C>T]GCTGATAAAGTCAAGCTCCTCCATCTCTGCTTGGTAGAATTTTTGGCAGGAATCTCTAAA-3'
Protein context (NP_004559.4, residues 116-136): AEMEELDFIS[Ala126Thr]VEKSRKHINT

ClinVar aggregate classification (germline): Uncertain significance. Review status: criteria provided, multiple submitters, no conflicts (2 of 4 stars). 2 submissions from 2 submitters: Uncertain significance (2). Last evaluated 2024-06-18.

Allele frequency attached by ClinVar (database versions not stated): ExAC 0.00002; TOPMed 0.00004; gnomAD 0.00003; ESP Exome Variant Server 0.00008.
gnomAD v4.1: 30 of 1,613,926 alleles (0.0019%); highest among the groups gnomAD compares: African/African-American, 0.0027%; no homozygotes.

Submissions (2):

GeneDx
Classification: Uncertain significance. Last evaluated: 2024-06-18. Review status: criteria provided, single submitter. Criteria: GeneDx Variant Classification Process June 2021. Collection method: clinical testing. Allele origin: germline.
Comment: Not observed at significant frequency in large population cohorts (gnomAD); In silico analysis indicates that this missense variant does not alter protein structure/function; Has not been previously published as pathogenic or benign to our knowledge

Ambry Genetics
Classification: Uncertain significance. Last evaluated: 2024-02-28. Review status: criteria provided, single submitter. Criteria: Ambry Variant Classification Scheme 2023. Collection method: clinical testing. Allele origin: germline.